The following is an entry in ClinVar:

ClinVar aggregate classification (germline): Uncertain significance. Review status: criteria provided, multiple submitters, no conflicts (2 of 4 stars). 2 submissions from 2 submitters: Uncertain significance (2). Last evaluated 2025-10-16.

Conditions:
Inborn genetic diseases. Identifiers: MedGen C0950123, MeSH D030342.

Allele frequency attached by ClinVar (database versions not stated): gnomAD exomes 0.00001; ExAC 0.00002; TOPMed below 0.00001; gnomAD 0.00003.
gnomAD v4.1: 21 of 1,614,026 alleles (0.0013%); highest among the groups gnomAD compares: African/African-American, 0.004%; no homozygotes.

Submissions (2):

Labcorp Genetics (formerly Invitae), Labcorp
Classification: Uncertain significance. Last evaluated: 2025-10-16. Review status: criteria provided, single submitter. Criteria: Invitae Variant Classification Sherloc (09022015). Collection method: clinical testing. Allele origin: germline.
Comment: This sequence change replaces alanine, which is neutral and non-polar, with valine, which is neutral and non-polar, at codon 73 of the ATP1A1 protein (p.Ala73Val). This variant is present in population databases (rs751968061, gnomAD 0.004%). This variant has not been reported in the literature in individuals affected with ATP1A1-related conditions. ClinVar contains an entry for this variant (Variation ID: 2883607). Invitae Evidence Modeling of protein sequence and biophysical properties (such as structural, functional, and spatial information, amino acid conservation, physicochemical variation, residue mobility, and thermodynamic stability) indicates that this missense variant is not expected to disrupt ATP1A1 protein function with a negative predictive value of 95%. In summary, the available evidence is currently insufficient to determine the role of this variant in disease. Therefore, it has been classified as a Variant of Uncertain Significance.

Ambry Genetics
Classification: Uncertain significance for Inborn genetic diseases. Last evaluated: 2025-06-12. Review status: criteria provided, single submitter. Criteria: Ambry Variant Classification Scheme 2023. Collection method: clinical testing. Allele origin: germline.

NM_000701.8(ATP1A1):c.218C>T (p.Ala73Val)

Gene: ATP1A1 (ATPase Na+/K+ transporting subunit alpha 1; plus strand). Cytogenetic location: 1p13.1.
Variant type: single nucleotide variant.
Coding change: c.218C>T on transcript NM_000701.8 (MANE Select); coding-DNA position 218, C replaced by T.
Protein change: p.Ala73Val; replaces alanine 73 with valine.
Molecular consequence: missense variant.
Genome position (GRCh38, 1-based): chr1:116,387,322, C>T. VCF-style: chr1-116387322-C-T. GRCh37 (hg19) VCF-style: chr1-116929944-C-T.
Other names: c.218C>T, p.Ala73Val (NM_001160233.2); c.125C>T, p.Ala42Val (NM_001160234.2); c.218C>T (NM_001160233.1); short protein forms A73V, A42V.
Identifiers: ClinVar variation 2883607 (VCV002883607.4), dbSNP rs751968061, ClinGen allele CA1025073.